The following is an entry in ClinVar:

NM_001991.5(EZH1):c.218C>T (p.Pro73Leu)

Gene: EZH1 (enhancer of zeste 1 polycomb repressive complex 2 subunit; minus strand). Cytogenetic location: 17q21.2.
Variant type: single nucleotide variant.
Coding change: c.218C>T on transcript NM_001991.5 (MANE Select); coding-DNA position 218, C replaced by T.
Protein change: p.Pro73Leu; replaces proline 73 with leucine.
Molecular consequence: missense variant.
Genome position (GRCh38, 1-based): chr17:42,727,663, G>A on the plus strand (C>T on the coding strand, the complement: EZH1 is on the minus strand). VCF-style: chr17-42727663-G-A. GRCh37 (hg19) VCF-style: chr17-40879681-G-A.
Other names: c.236C>T, p.Pro79Leu (NM_001321079.2); c.218C>T, p.Pro73Leu (NM_001321081.2, NM_001321082.2); short protein forms P73L, P79L.
Identifiers: ClinVar variation 4086785 (VCV004086785.1).
Genomic context (GRCh38, chr17:42,727,663, plus strand): 5'-GAGGAAGACTGAGCTTAAACTCCCAAAAGTACCTTTTTGAGAAAAGGGTGTCCACTCACA[G>A]GCTTCATTGACTGAACAGGTTGGACACGAAGCTTCTTCCATTCTTCATTGAGGATCTGGG-3'
Protein context (NP_001982.2, residues 63-83): LRVQPVQSMK[Pro73Leu]VSGHPFLKKC

ClinVar aggregate classification (germline): Uncertain significance (1 of 4 stars; one submission).

Submission:

GeneDx
Classification: Uncertain significance. Last evaluated: 2025-03-17. Review status: criteria provided, single submitter. Criteria: GeneDx Variant Classification Process June 2021. Collection method: clinical testing. Allele origin: germline. Affected: yes.
Comment: Not observed at significant frequency in large population cohorts (gnomAD); In silico analysis indicates that this missense variant does not alter protein structure/function; Has not been previously published as pathogenic or benign to our knowledge